The following is an entry in ClinVar:

ClinVar aggregate classification (germline): Uncertain significance (1 of 4 stars; one submission).

Conditions:
Cornelia de Lange syndrome 1 (CDLS1). Also called: TYPUS DEGENERATIVUS AMSTELODAMENSIS; Brachmann de Lange syndrome; NIPBL-Related Cornelia de Lange Syndrome. Identifiers: Orphanet 199, MedGen C4551851, MONDO:0007387, OMIM 122470.

Allele frequency attached by ClinVar (database versions not stated): ExAC 0.00001; gnomAD 0.00001; gnomAD exomes 0.00001.
gnomAD v4.1: 14 of 1,614,028 alleles (0.00087%); highest among the groups gnomAD compares: Non-Finnish European, 0.0012%; no homozygotes.

Submission:

Labcorp Genetics (formerly Invitae), Labcorp
Classification: Uncertain significance for Cornelia de Lange syndrome 1. Last evaluated: 2023-07-17. Review status: criteria provided, single submitter. Criteria: Invitae Variant Classification Sherloc (09022015). Collection method: clinical testing. Allele origin: germline.
Comment: ClinVar contains an entry for this variant (Variation ID: 2415435). In summary, the available evidence is currently insufficient to determine the role of this variant in disease. Therefore, it has been classified as a Variant of Uncertain Significance. Advanced modeling of protein sequence and biophysical properties (such as structural, functional, and spatial information, amino acid conservation, physicochemical variation, residue mobility, and thermodynamic stability) has been performed at Invitae for this missense variant, however the output from this modeling did not meet the statistical confidence thresholds required to predict the impact of this variant on NIPBL protein function. This variant has not been reported in the literature in individuals affected with NIPBL-related conditions. This variant is present in population databases (rs775181656, gnomAD 0.0009%). This sequence change replaces arginine, which is basic and polar, with glutamine, which is neutral and polar, at codon 2501 of the NIPBL protein (p.Arg2501Gln).

NM_133433.4(NIPBL):c.7502G>A (p.Arg2501Gln)

Gene: NIPBL (NIPBL cohesin loading factor; plus strand). Cytogenetic location: 5p13.2.
Variant type: single nucleotide variant.
Coding change: c.7502G>A on transcript NM_133433.4 (MANE Select); coding-DNA position 7502, G replaced by A.
Protein change: p.Arg2501Gln; replaces arginine 2501 with glutamine.
Molecular consequence: missense variant.
Genome position (GRCh38, 1-based): chr5:37,058,982, G>A. VCF-style: chr5-37058982-G-A. GRCh37 (hg19) VCF-style: chr5-37059084-G-A.
Other names: c.7502G>A, p.Arg2501Gln (NM_015384.5); short protein forms R2501Q.
Identifiers: ClinVar variation 2415435 (VCV002415435.6), dbSNP rs775181656, ClinGen allele CA3237221.